The following is an entry in ClinVar:

ClinVar aggregate classification (germline): Uncertain significance (1 of 4 stars; one submission).

Conditions:
Cardiovascular phenotype. Identifiers: MedGen CN230736.

Submission:

Ambry Genetics
Classification: Uncertain significance for Cardiovascular phenotype. Last evaluated: 2020-07-10. Review status: criteria provided, single submitter. Criteria: Ambry Variant Classification Scheme 2023. Collection method: clinical testing. Allele origin: germline.
Comment: The c.391delG variant, located in coding exon 5 of the TXNRD2 gene, results from a deletion of one nucleotide at nucleotide position 391, causing a translational frameshift (p.A131Lfs). The exact length of the frameshifted region is unclear, as the first few potential stop codons encountered in the shifted frame are TGAs, which could instead encode for selenocysteines in the context of this selenocysteine-containing protein (Gonzalez-Flores JN et al. Biomol Concepts, 2013 Aug;4:349-65). Regardless of the length of the frameshifted region, this alteration is expected to result in premature protein truncation or nonsense-mediated mRNA decay. However, loss of function of TXNRD2 has not been clearly established as a mechanism of disease. Since supporting evidence is limited at this time, the clinical significance of this alteration remains unclear.

Literature cited by the submitters: PubMed 25436585; PubMed 30323062.

NM_006440.5(TXNRD2):c.391del (p.Ala131fs)

Gene: TXNRD2 (thioredoxin reductase 2; minus strand). Cytogenetic location: 22q11.21.
Variant type: Deletion.
Coding change: c.391del on transcript NM_006440.5 (MANE Select); coding-DNA position 391, one base deleted (G; older notation c.391delG).
Protein change: p.Ala131fs; shifts the reading frame from alanine 131.
Molecular consequence: frameshift variant. On other transcripts: non-coding transcript variant (1).
Genome position (GRCh38, 1-based): chr22:19,918,201, C deleted on the plus strand (G on the coding strand, the reverse complement: TXNRD2 is on the minus strand). VCF-style (leftmost placement, unchanged base first): chr22-19918200-GC-G. GRCh37 (hg19) VCF-style: chr22-19905723-GC-G.
Other names: c.391del, p.Ala131fs (NM_001282512.3); c.388del, p.Ala130fs (NM_001352300.2); c.301del, p.Ala101fs (NM_001352301.2); c.103del, p.Ala35fs (NM_001352302.2); c.295del, p.Ala99fs (NM_001352303.2); short protein forms A99fs, A131fs, A101fs, A130fs, A35fs.
Identifiers: ClinVar variation 1736182 (VCV001736182.2), dbSNP rs2517388228, ClinGen allele CA2580099128.